The following is an entry in ClinVar:

ClinVar aggregate classification (germline): Conflicting classifications of pathogenicity. Review status: criteria provided, conflicting classifications (1 of 4 stars). 3 submissions from 3 submitters: Uncertain significance (1); Likely benign (1). 1 of the submissions does not count toward it. Last evaluated 2024-09-30.

Conditions:
Hereditary intrinsic factor deficiency (IFD). Also called: Congenital intrinsic factor deficiency; PERNICIOUS ANEMIA, CONGENITAL, DUE TO DEFECT OF INTRINSIC FACTOR. Identifiers: Orphanet 332, MedGen C2062370, MONDO:0009852, OMIM 261000.
CBLIF-related disorder. Also called: CBLIF-related condition.

Allele frequency attached by ClinVar (database versions not stated): gnomAD exomes 0.00006 and 0.00031; gnomAD 0.00008 and 0.00009; TOPMed 0.00019; ESP Exome Variant Server 0.00023; ExAC 0.00025.

Submissions (3):

Labcorp Genetics (formerly Invitae), Labcorp
Classification: Likely benign for Hereditary intrinsic factor deficiency. Last evaluated: 2024-09-30. Review status: criteria provided, single submitter. Criteria: Invitae Variant Classification Sherloc (09022015). Collection method: clinical testing. Allele origin: germline.

Illumina Laboratory Services, Illumina
Classification: Uncertain significance for Hereditary intrinsic factor deficiency. Last evaluated: 2017-04-27. Review status: criteria provided, single submitter. Criteria: ICSL Variant Classification Criteria 13 December 2019. Collection method: clinical testing. Allele origin: germline.

PreventionGenetics, part of Exact Sciences
Classification: Likely benign for CBLIF-related condition. Last evaluated: 2019-04-08. Review status: no assertion criteria provided. Collection method: clinical testing. Allele origin: germline. Not counted in ClinVar's aggregate classification.
Comment: This variant is classified as likely benign based on ACMG/AMP sequence variant interpretation guidelines (Richards et al. 2015 PMID: 25741868, with internal and published modifications).

NM_005142.3(CBLIF):c.1074-3T>C

Gene: CBLIF (cobalamin binding intrinsic factor; minus strand). Cytogenetic location: 11q12.1.
Variant type: single nucleotide variant.
Coding change: c.1074-3T>C on transcript NM_005142.3 (MANE Select); 3 bases into the intron before coding-DNA position 1074, T replaced by C.
Molecular consequence: intron variant.
Genome position (GRCh38, 1-based): chr11:59,831,799, A>G on the plus strand (T>C on the coding strand, the complement: CBLIF is on the minus strand). VCF-style: chr11-59831799-A-G. GRCh37 (hg19) VCF-style: chr11-59599272-A-G.
Identifiers: ClinVar variation 800190 (VCV000800190.13), dbSNP rs370833765, ClinGen allele CA6021393.